The following is an entry in ClinVar:

NM_015662.3(IFT172):c.591G>C (p.Pro197=)

Gene: IFT172 (intraflagellar transport 172; minus strand). Cytogenetic location: 2p23.3.
Variant type: single nucleotide variant.
Coding change: c.591G>C on transcript NM_015662.3 (MANE Select); coding-DNA position 591, G replaced by C.
Protein change: p.Pro197=; no amino-acid change (proline 197 retained).
Molecular consequence: synonymous variant.
Genome position (GRCh38, 1-based): chr2:27,481,240, C>G on the plus strand (G>C on the coding strand, the complement: IFT172 is on the minus strand). VCF-style: chr2-27481240-C-G. GRCh37 (hg19) VCF-style: chr2-27704107-C-G.
Other names: c.591G>C, p.Pro197= (NM_001410739.1).
Identifiers: ClinVar variation 4982136 (VCV004982136.1).

ClinVar aggregate classification (germline): Likely benign (1 of 4 stars; one submission).

Conditions:
IFT172-related disorder. Also called: IFT172-related condition; IFT172-related disorders.

Submission:

PreventionGenetics, part of Exact Sciences
Classification: Likely benign for IFT172-related condition. Last evaluated: 2026-03-22. Review status: criteria provided, single submitter. Criteria: ACMG Guidelines, 2015. Collection method: clinical testing. Allele origin: germline.
Comment: This variant is classified as likely benign based on ACMG/AMP sequence variant interpretation guidelines (Richards et al. 2015 PMID: 25741868, with internal and published modifications).